The following is an entry in ClinVar:

ClinVar aggregate classification (germline): Uncertain significance (1 of 4 stars; one submission).

Conditions:
Spastic paraplegia. Identifiers: MedGen C0037772, HP:0001258.

Allele frequency attached by ClinVar (database versions not stated): gnomAD exomes below 0.00001; TOPMed below 0.00001; ExAC 0.00001; gnomAD 0.00001.
gnomAD v4.1: 2 of 1,613,566 alleles (0.00012%); highest among the groups gnomAD compares: Admixed American, 0.0033%; no homozygotes.

Submission:

Labcorp Genetics (formerly Invitae), Labcorp
Classification: Uncertain significance for Spastic paraplegia. Last evaluated: 2022-06-22. Review status: criteria provided, single submitter. Criteria: Invitae Variant Classification Sherloc (09022015). Collection method: clinical testing. Allele origin: germline.
Comment: In summary, the available evidence is currently insufficient to determine the role of this variant in disease. Therefore, it has been classified as a Variant of Uncertain Significance. Algorithms developed to predict the effect of missense changes on protein structure and function (SIFT, PolyPhen-2, Align-GVGD) all suggest that this variant is likely to be disruptive. This variant has not been reported in the literature in individuals affected with CYP7B1-related conditions. This variant is present in population databases (rs774724113, gnomAD 0.003%). This sequence change replaces leucine, which is neutral and non-polar, with proline, which is neutral and non-polar, at codon 212 of the CYP7B1 protein (p.Leu212Pro).

NM_004820.5(CYP7B1):c.635T>C (p.Leu212Pro)

Gene: CYP7B1 (cytochrome P450 family 7 subfamily B member 1; minus strand). Cytogenetic location: 8q12.3.
Variant type: single nucleotide variant.
Coding change: c.635T>C on transcript NM_004820.5 (MANE Select); coding-DNA position 635, T replaced by C.
Protein change: p.Leu212Pro; replaces leucine 212 with proline.
Molecular consequence: missense variant.
Genome position (GRCh38, 1-based): chr8:64,615,906, A>G on the plus strand (T>C on the coding strand, the complement: CYP7B1 is on the minus strand). VCF-style: chr8-64615906-A-G. GRCh37 (hg19) VCF-style: chr8-65528463-A-G.
Other names: c.635T>C, p.Leu212Pro (NM_001324112.2); short protein forms L212P.
Identifiers: ClinVar variation 2124254 (VCV002124254.4), dbSNP rs774724113, ClinGen allele CA4764178.